The following is an entry in ClinVar:

ClinVar aggregate classification (germline): Uncertain significance (1 of 4 stars; one submission).

Submission:

Labcorp Genetics (formerly Invitae), Labcorp
Classification: Uncertain significance. Last evaluated: 2025-02-02. Review status: criteria provided, single submitter. Criteria: Invitae Variant Classification Sherloc (09022015). Collection method: clinical testing. Allele origin: germline.
Comment: This sequence change replaces methionine, which is neutral and non-polar, with isoleucine, which is neutral and non-polar, at codon 926 of the COL27A1 protein (p.Met926Ile). This variant is not present in population databases (gnomAD no frequency). This variant has not been reported in the literature in individuals affected with COL27A1-related conditions. ClinVar contains an entry for this variant (Variation ID: 1505168). Invitae Evidence Modeling of protein sequence and biophysical properties (such as structural, functional, and spatial information, amino acid conservation, physicochemical variation, residue mobility, and thermodynamic stability) indicates that this missense variant is not expected to disrupt COL27A1 protein function with a negative predictive value of 80%. In summary, the available evidence is currently insufficient to determine the role of this variant in disease. Therefore, it has been classified as a Variant of Uncertain Significance.

NM_032888.4(COL27A1):c.2778G>A (p.Met926Ile)

Gene: COL27A1 (collagen type XXVII alpha 1 chain; plus strand). Cytogenetic location: 9q32.
Variant type: single nucleotide variant.
Coding change: c.2778G>A on transcript NM_032888.4 (MANE Select); coding-DNA position 2778, G replaced by A.
Protein change: p.Met926Ile; replaces methionine 926 with isoleucine.
Molecular consequence: missense variant.
Genome position (GRCh38, 1-based): chr9:114,240,270, G>A. VCF-style: chr9-114240270-G-A. GRCh37 (hg19) VCF-style: chr9-117002550-G-A.
Other names: short protein forms M926I.
Identifiers: ClinVar variation 1505168 (VCV001505168.7), dbSNP rs1832667521, ClinGen allele CA374591068.